The following is an entry in ClinVar:

NM_005612.5(REST):c.458G>A (p.Ser153Asn)

Gene: REST (RE1 silencing transcription factor; plus strand). Cytogenetic location: 4q12.
Variant type: single nucleotide variant.
Coding change: c.458G>A on transcript NM_005612.5 (MANE Select); coding-DNA position 458, G replaced by A.
Protein change: p.Ser153Asn; replaces serine 153 with asparagine.
Molecular consequence: missense variant.
Genome position (GRCh38, 1-based): chr4:56,911,096, G>A. VCF-style: chr4-56911096-G-A. GRCh37 (hg19) VCF-style: chr4-57777262-G-A.
Other names: c.458G>A, p.Ser153Asn (NM_001193508.2, NM_001363453.3); short protein forms S153N.
Identifiers: ClinVar variation 3590636 (VCV003590636.5).

ClinVar aggregate classification (germline): Conflicting classifications of pathogenicity. Review status: criteria provided, conflicting classifications (1 of 4 stars). 2 submissions from 2 submitters: Uncertain significance (1); Likely benign (1). Last evaluated 2026-03-01.

Conditions:
Fibromatosis, gingival, 5. Also called: FIBROMATOSIS, GINGIVAL, HEREDITARY, 5. Identifiers: MedGen C4539942, MONDO:0033493, OMIM 617626.
Autosomal dominant nonsyndromic hearing loss 27. Also called: Deafness, autosomal dominant 27. Identifiers: Orphanet 90635, MedGen C3887929, MONDO:0012902, OMIM 612431.
Wilms tumor 6 (WT6). Also called: WILMS TUMOR 6, SUSCEPTIBILITY TO. Identifiers: Orphanet 654, MedGen C3891301, MONDO:0014779, OMIM 616806.

Submissions (2):

CeGaT Center for Human Genetics Tuebingen
Classification: Likely benign. Last evaluated: 2026-03-01. Review status: criteria provided, single submitter. Criteria: CeGaT Center For Human Genetics Tuebingen Variant Classification Criteria Version 2. Collection method: clinical testing. Allele origin: germline. Affected: yes. Observed: 1 variant allele.
Comment: REST: BP4

Fulgent Genetics
Classification: Uncertain significance for Autosomal dominant nonsyndromic hearing loss 27; Wilms tumor 6; Fibromatosis, gingival, 5. Last evaluated: 2024-06-20. Review status: criteria provided, single submitter. Criteria: ACMG Guidelines, 2015. Collection method: clinical testing. Allele origin: germline.